The following is an entry in ClinVar:

ClinVar aggregate classification (germline): Uncertain significance. Review status: criteria provided, multiple submitters, no conflicts (2 of 4 stars). 2 submissions from 2 submitters: Uncertain significance (2). Last evaluated 2025-11-26.

Conditions:
Cardiovascular phenotype. Identifiers: MedGen CN230736.

Allele frequency attached by ClinVar (database versions not stated): gnomAD exomes below 0.00001; TOPMed below 0.00001.
gnomAD v4.1: 3 of 1,546,980 alleles (0.00019%); highest among the groups gnomAD compares: Non-Finnish European, 0.00026%; no homozygotes.

Submissions (2):

Women's Health and Genetics/Laboratory Corporation of America, LabCorp
Classification: Uncertain significance. Last evaluated: 2025-11-26. Review status: criteria provided, single submitter. Criteria: LabCorp Variant Classification Summary - May 2015. Collection method: clinical testing. Allele origin: germline.
Comment: Variant summary: ZNF469 c.8991G>T (p.Trp2997Cys) results in a non-conservative amino acid change in the encoded protein sequence. Algorithms developed to predict the effect of missense changes on protein structure and function are either unavailable or do not agree on the potential impact of this missense change. The frequency data for this variant in gnomAD is considered unreliable, as metrics indicate poor data quality at this position. To our knowledge, no occurrence of c.8991G>T in individuals affected with ZNF469-related conditions and no experimental evidence demonstrating its impact on protein function have been reported. ClinVar contains an entry for this variant (Variation ID: 2449461). Based on the evidence outlined above, the variant was classified as uncertain significance.

Ambry Genetics
Classification: Uncertain significance for Cardiovascular phenotype. Last evaluated: 2022-12-14. Review status: criteria provided, single submitter. Criteria: Ambry Variant Classification Scheme 2023. Collection method: clinical testing. Allele origin: germline.
Comment: The p.W2969C variant (also known as c.8907G>T), located in coding exon 2 of the ZNF469 gene, results from a G to T substitution at nucleotide position 8907. The tryptophan at codon 2969 is replaced by cysteine, an amino acid with highly dissimilar properties. This amino acid position is conserved. In addition, this alteration is predicted to be tolerated by in silico analysis. Since supporting evidence is limited at this time, the clinical significance of this alteration remains unclear.

NM_001367624.2(ZNF469):c.8991G>T (p.Trp2997Cys)

Gene: ZNF469 (zinc finger protein 469; plus strand). Cytogenetic location: 16q24.2.
Variant type: single nucleotide variant.
Coding change: c.8991G>T on transcript NM_001367624.2 (MANE Select); coding-DNA position 8991, G replaced by T.
Protein change: p.Trp2997Cys; replaces tryptophan 2997 with cysteine.
Molecular consequence: missense variant.
Genome position (GRCh38, 1-based): chr16:88,436,461, G>T. VCF-style: chr16-88436461-G-T. GRCh37 (hg19) VCF-style: chr16-88502869-G-T.
Other names: NM_001127464.1:c.8907G>T; short protein forms W2997C.
Identifiers: ClinVar variation 2449461 (VCV002449461.3), dbSNP rs1792157484, ClinGen allele CA397120081.